The following is an entry in ClinVar:

NM_201525.4(ADGRG1):c.64+15G>T

Gene: ADGRG1 (adhesion G protein-coupled receptor G1; plus strand). Cytogenetic location: 16q21.
Variant type: single nucleotide variant.
Coding change: c.64+15G>T on transcript NM_201525.4 (MANE Select); 15 bases into the intron after coding-DNA position 64, G replaced by T.
Molecular consequence: intron variant.
Genome position (GRCh38, 1-based): chr16:57,650,366, G>T. VCF-style: chr16-57650366-G-T. GRCh37 (hg19) VCF-style: chr16-57684278-G-T.
Other names: c.64+15G>T (NM_001370440.1, NM_001370428.1, NM_001370436.1 and 20 more transcripts); c.-419+15G>T (NM_001370451.1, NM_001290143.2, NM_001290144.2); c.-503+15G>T (NM_001370453.1); c.-414-881G>T (NM_001370454.1).
Identifiers: ClinVar variation 158635 (VCV000158635.17), dbSNP rs200303272, ClinGen allele CA271549.
Genomic context (GRCh38, chr16:57,650,366, plus strand): 5'-CTGCAGACGACACTGTTCCTGCTGAGTCTGCTCTTCCTGGTCCAAGGCAGGTCTTCCCAG[G>T]GGTGCCCTGGGCTGTTGGAACTTACGTTAAAATGCCCCTGTGCCTAGGGTGGCTGCCAGC-3'

ClinVar aggregate classification (germline): Conflicting classifications of pathogenicity. Review status: criteria provided, conflicting classifications (1 of 4 stars). 3 submissions from 3 submitters: Uncertain significance (1); Benign (2). Last evaluated 2026-01-27.

Conditions:
Bilateral frontoparietal polymicrogyria. Also called: CEREBELLAR ATAXIA WITH NEURONAL MIGRATION DEFECT; CORTICAL DYSPLASIA, COMPLEX, WITH OTHER BRAIN MALFORMATIONS 14A (BILATERAL FRONTOPARIETAL). Identifiers: Orphanet 101070, MedGen C1847352, MONDO:0011738, OMIM 606854.

Allele frequency attached by ClinVar (database versions not stated): 1000 Genomes Project 30x 0.00328; gnomAD 0.00001 and 0.00030; TOPMed 0.00008; gnomAD exomes 0.00067 and 0.00133; ExAC 0.00149; 1000 Genomes Project 0.00319.
gnomAD v4.1: 1,021 of 1,608,686 alleles (0.063%); highest among the groups gnomAD compares: South Asian, 1.1%; 12 homozygotes.

Submissions (3):

Labcorp Genetics (formerly Invitae), Labcorp
Classification: Benign. Last evaluated: 2026-01-27. Review status: criteria provided, single submitter. Criteria: Invitae Variant Classification Sherloc (09022015). Collection method: clinical testing. Allele origin: germline.

Illumina Laboratory Services, Illumina
Classification: Benign for Bilateral frontoparietal polymicrogyria. Last evaluated: 2018-01-12. Review status: criteria provided, single submitter. Criteria: ICSL Variant Classification Criteria 13 December 2019. Collection method: clinical testing. Allele origin: germline.
Comment: This variant was observed in the ICSL laboratory as part of a predisposition screen in an ostensibly healthy population. It had not been previously curated by ICSL or reported in the Human Gene Mutation Database (HGMD: prior to June 1st, 2018), and was therefore a candidate for classification through an automated scoring system. Utilizing variant allele frequency, disease prevalence and penetrance estimates, and inheritance mode, an automated score was calculated to assess if this variant is too frequent to cause the disease. Based on the score and internal cut-off values, a variant classified as benign is not then subjected to further curation. The score for this variant resulted in a classification of benign for this disease.

Genetic Services Laboratory, University of Chicago
Classification: Uncertain significance for Polymicrogyria, bilateral frontoparietal. Last evaluated: 2013-02-08. Review status: criteria provided, single submitter. Criteria: ACMG Guidelines, 2007. Collection method: clinical testing. Allele origin: germline. Inheritance: Autosomal recessive inheritance.